The following is an entry in ClinVar:

NC_000003.11:g.(?_52441964)_(52443894_?)del

Gene: BAP1 (BRCA1 associated deubiquitinase 1; minus strand). Cytogenetic location: 3p21.1.
Variant type: Deletion.
Identifiers: ClinVar variation 1456014 (VCV001456014.6).

ClinVar aggregate classification (germline): Pathogenic (1 of 4 stars; one submission).

Conditions:
BAP1-related tumor predisposition syndrome (TPDS1). Also called: COMMON Syndrome; TUMOR PREDISPOSITION SYNDROME 1; BAP1 tumor predisposition syndrome; Tumor susceptibility linked to germline BAP1 mutations. Identifiers: Orphanet 289539, MedGen C3280492, MONDO:0013692, OMIM 614327.

Submission:

Labcorp Genetics (formerly Invitae), Labcorp
Classification: Pathogenic for BAP1-related tumor predisposition syndrome. Last evaluated: 2021-04-20. Review status: criteria provided, single submitter. Criteria: Invitae Variant Classification Sherloc (09022015). Collection method: clinical testing. Allele origin: germline.
Comment: For these reasons, this variant has been classified as Pathogenic. This variant has not been reported in the literature in individuals with BAP1-related conditions. This variant is a gross deletion of the genomic region encompassing exon(s) 1-5 of the BAP1 gene, which includes the initiator codon. The 5' end of this event is unknown as it extends beyond the assayed region for this gene and therefore may encompass additional genes. The 3' boundary is likely confined to intron 5 of the BAP1 gene. It is expected to result in an absent or disrupted protein product. Loss-of-function variants in BAP1 are known to be pathogenic (PMID: 21874000, 23684012).

Literature cited by the submitters: PubMed 21874000; PubMed 23684012.